The following is an entry in ClinVar:

NM_001393997.1(CCAR2):c.2522-3C>T

Gene: CCAR2 (cell cycle and apoptosis regulator 2; plus strand). Cytogenetic location: 8p21.3.
Variant type: single nucleotide variant.
Coding change: c.2522-3C>T on transcript NM_001393997.1 (MANE Select); 3 bases into the intron before coding-DNA position 2522, C replaced by T.
Molecular consequence: intron variant.
Genome position (GRCh38, 1-based): chr8:22,619,147, C>T. VCF-style: chr8-22619147-C-T. GRCh37 (hg19) VCF-style: chr8-22476660-C-T.
Other names: c.2519-3C>T (NM_001363069.2, NM_001363068.2); c.2522-3C>T (NM_021174.6).
Identifiers: ClinVar variation 3048106 (VCV003048106.2), dbSNP rs763636347, ClinGen allele CA4671209.

ClinVar aggregate classification (germline): Likely benign (0 of 4 stars; one submission).

Conditions:
CCAR2-related disorder. Also called: CCAR2-related condition.

Allele frequency attached by ClinVar (database versions not stated): gnomAD exomes below 0.00001; gnomAD 0.00001.
gnomAD v4.1: 2 of 1,604,438 alleles (0.00012%); highest among the groups gnomAD compares: Non-Finnish European, 0.00017%; no homozygotes.

Submission:

PreventionGenetics, part of Exact Sciences
Classification: Likely benign for CCAR2-related condition. Last evaluated: 2023-06-07. Review status: no assertion criteria provided. Collection method: clinical testing. Allele origin: germline.
Comment: This variant is classified as likely benign based on ACMG/AMP sequence variant interpretation guidelines (Richards et al. 2015 PMID: 25741868, with internal and published modifications).